The following is an entry in ClinVar:

NM_000937.5(POLR2A):c.2585G>A (p.Arg862Gln)

Genes: POLR2A (RNA polymerase II subunit A; plus strand), LOC126862481 (BRD4-independent group 4 enhancer GRCh37_chr17:7405086-7406285; plus strand). Cytogenetic location: 17p13.1.
Variant type: single nucleotide variant.
Coding change: c.2585G>A on transcript NM_000937.5 (MANE Select); coding-DNA position 2585, G replaced by A.
Protein change: p.Arg862Gln; replaces arginine 862 with glutamine.
Molecular consequence: missense variant.
Genome position (GRCh38, 1-based): chr17:7,502,530, G>A. VCF-style: chr17-7502530-G-A. GRCh37 (hg19) VCF-style: chr17-7405849-G-A.
Other names: short protein forms R862Q.
Identifiers: ClinVar variation 4862356 (VCV004862356.1).

ClinVar aggregate classification (germline): Uncertain significance (1 of 4 stars; one submission).

Conditions:
Inborn genetic diseases. Identifiers: MedGen C0950123, MeSH D030342.

Submission:

Ambry Genetics
Classification: Uncertain significance for Inborn genetic diseases. Last evaluated: 2026-05-27. Review status: criteria provided, single submitter. Criteria: Ambry Variant Classification Scheme 2023. Collection method: clinical testing. Allele origin: germline.
Comment: The c.2585G>A (p.R862Q) alteration is located in exon 16 (coding exon 16) of the POLR2A gene. This alteration results from a G to A substitution at nucleotide position 2585, causing the arginine (R) at amino acid position 862 to be replaced by a glutamine (Q). This variant was not reported in population-based cohorts in the Genome Aggregation Database (gnomAD). This amino acid position is highly conserved in available vertebrate species. This alteration is predicted to be deleterious by in silico analysis. Based on insufficient or conflicting evidence, the clinical significance of this alteration remains unclear.